The following is an entry in ClinVar:

NM_203447.4(DOCK8):c.2893G>C (p.Ala965Pro)

Gene: DOCK8 (dedicator of cytokinesis 8; plus strand). Cytogenetic location: 9p24.3.
Variant type: single nucleotide variant.
Coding change: c.2893G>C on transcript NM_203447.4 (MANE Select); coding-DNA position 2893, G replaced by C.
Protein change: p.Ala965Pro; replaces alanine 965 with proline.
Molecular consequence: missense variant.
Genome position (GRCh38, 1-based): chr9:390,489, G>C. VCF-style: chr9-390489-G-C. GRCh37 (hg19) VCF-style: chr9-390489-G-C.
Other names: c.2593G>C, p.Ala865Pro (NM_001190458.2); c.2689G>C, p.Ala897Pro (NM_001193536.2); short protein forms A865P, A897P, A965P.
Identifiers: ClinVar variation 2111830 (VCV002111830.4), dbSNP rs2538457831, ClinGen allele CA372751026.

ClinVar aggregate classification (germline): Uncertain significance (1 of 4 stars; one submission).

Conditions:
Combined immunodeficiency due to DOCK8 deficiency (HIES2). Also called: HIES autosomal recessive; HYPER-IgE RECURRENT INFECTION SYNDROME 2, AUTOSOMAL RECESSIVE; DOCK8 Deficiency; HYPER-IgE SYNDROME 2, AUTOSOMAL RECESSIVE, WITH RECURRENT INFECTIONS; Hyper-IgE recurrent infection syndrome, autosomal recessive. Identifiers: Orphanet 217390, MedGen C4722305, MONDO:0009478, OMIM 243700.

Submission:

Labcorp Genetics (formerly Invitae), Labcorp
Classification: Uncertain significance for Combined immunodeficiency due to DOCK8 deficiency. Last evaluated: 2022-03-14. Review status: criteria provided, single submitter. Criteria: Invitae Variant Classification Sherloc (09022015). Collection method: clinical testing. Allele origin: germline.
Comment: This sequence change replaces alanine, which is neutral and non-polar, with proline, which is neutral and non-polar, at codon 965 of the DOCK8 protein (p.Ala965Pro). This variant is not present in population databases (gnomAD no frequency). This variant has not been reported in the literature in individuals affected with DOCK8-related conditions. Algorithms developed to predict the effect of missense changes on protein structure and function are either unavailable or do not agree on the potential impact of this missense change (SIFT: "Tolerated"; PolyPhen-2: "Probably Damaging"; Align-GVGD: "Class C0"). In summary, the available evidence is currently insufficient to determine the role of this variant in disease. Therefore, it has been classified as a Variant of Uncertain Significance.